The following is an entry in ClinVar:

ClinVar aggregate classification (germline): Uncertain significance (1 of 4 stars; one submission).

Conditions:
Ataxia-telangiectasia syndrome (AT). Also called: Ataxia-telangiectasia, complementation group E; Cerebello-oculocutaneous telangiectasia; Immunodeficiency with ataxia telangiectasia; ATAXIA-TELANGIECTASIA, COMPLEMENTATION GROUP A; ATAXIA-TELANGIECTASIA, FRESNO VARIANT; Ataxia-telangiectasia, complementation group D. Identifiers: Orphanet 100, MedGen C0004135, MONDO:0008840, OMIM 208900.

Submission:

Labcorp Genetics (formerly Invitae), Labcorp
Classification: Uncertain significance for Ataxia-telangiectasia syndrome. Last evaluated: 2025-05-05. Review status: criteria provided, single submitter. Criteria: Invitae Variant Classification Sherloc (09022015). Collection method: clinical testing. Allele origin: germline.
Comment: This sequence change replaces alanine, which is neutral and non-polar, with valine, which is neutral and non-polar, at codon 1089 of the ATM protein (p.Ala1089Val). This variant is not present in population databases (gnomAD no frequency). This variant has not been reported in the literature in individuals affected with ATM-related conditions. ClinVar contains an entry for this variant (Variation ID: 1523800). Invitae Evidence Modeling of protein sequence and biophysical properties (such as structural, functional, and spatial information, amino acid conservation, physicochemical variation, residue mobility, and thermodynamic stability) indicates that this missense variant is not expected to disrupt ATM protein function with a negative predictive value of 95%. In summary, the available evidence is currently insufficient to determine the role of this variant in disease. Therefore, it has been classified as a Variant of Uncertain Significance.

NM_000051.4(ATM):c.3266C>T (p.Ala1089Val)

Gene: ATM (ATM serine/threonine kinase; plus strand). Cytogenetic location: 11q22.3.
Variant type: single nucleotide variant.
Coding change: c.3266C>T on transcript NM_000051.4 (MANE Select); coding-DNA position 3266, C replaced by T.
Protein change: p.Ala1089Val; replaces alanine 1089 with valine.
Molecular consequence: missense variant.
Genome position (GRCh38, 1-based): chr11:108,272,834, C>T. VCF-style: chr11-108272834-C-T. GRCh37 (hg19) VCF-style: chr11-108143561-C-T.
Other names: c.3266C>T, p.Ala1089Val (NM_001351834.2); short protein forms A1089V.
Identifiers: ClinVar variation 1523800 (VCV001523800.8), dbSNP rs2135572925, ClinGen allele CA382516166.